The following is an entry in ClinVar:

ClinVar aggregate classification (germline): Benign/Likely benign. Review status: criteria provided, multiple submitters, no conflicts (2 of 4 stars). 11 submissions from 11 submitters: Benign (7); Likely benign (1). 3 of the submissions do not count toward it. Last evaluated 2026-09-01.

Conditions:
Hypertrophic cardiomyopathy 26. Also called: Cardiomyopathy, familial hypertrophic, 26. Identifiers: Orphanet 75249, MedGen C4310749, MONDO:0014883, OMIM 617047.
Distal myopathy with posterior leg and anterior hand involvement. Also called: WILLIAMS DISTAL MYOPATHY. Identifiers: Orphanet 63273, MedGen C3279722, MONDO:0013550, OMIM 614065.
Myofibrillar myopathy 5. Also called: Filaminopathy (type); FILAMINOPATHY, AUTOSOMAL DOMINANT. Identifiers: Orphanet 171445, MedGen C1836050, MONDO:0012289, OMIM 609524.

Allele frequency attached by ClinVar (database versions not stated): 1000 Genomes Project 0.00399; 1000 Genomes Project 30x 0.00422; gnomAD 0.00710 and 0.00719; gnomAD exomes 0.00717; ExAC 0.00720; TOPMed 0.00753; ESP Exome Variant Server 0.01011.

Submissions (11):

CeGaT Center for Human Genetics Tuebingen
Classification: Benign. Last evaluated: 2026-09-01. Review status: criteria provided, single submitter. Criteria: CeGaT Center For Human Genetics Tuebingen Variant Classification Criteria Version 2. Collection method: clinical testing. Allele origin: germline. Affected: yes. Observed: 59 variant alleles.
Comment: FLNC: BS1, BS2

Labcorp Genetics (formerly Invitae), Labcorp
Classification: Benign for Distal myopathy with posterior leg and anterior hand involvement; Myofibrillar myopathy 5; Hypertrophic cardiomyopathy 26. Last evaluated: 2026-02-04. Review status: criteria provided, single submitter. Criteria: Invitae Variant Classification Sherloc (09022015). Collection method: clinical testing. Allele origin: germline.

ARUP Laboratories, Molecular Genetics and Genomics, ARUP Laboratories
Classification: Benign. Last evaluated: 2025-04-07. Review status: criteria provided, single submitter. Criteria: ARUP Molecular Germline Variant Investigation Process 2024. Collection method: clinical testing. Allele origin: germline.

Blueprint Genetics
Classification: Likely benign. Last evaluated: 2024-11-27. Review status: criteria provided, single submitter. Criteria: ACMG Guidelines, 2015. Collection method: clinical testing. Allele origin: germline.

Women's Health and Genetics/Laboratory Corporation of America, LabCorp
Classification: Benign. Last evaluated: 2023-04-04. Review status: criteria provided, single submitter. Criteria: LabCorp Variant Classification Summary - May 2015. Collection method: clinical testing. Allele origin: germline.

GeneDx
Classification: Benign. Last evaluated: 2016-03-02. Review status: criteria provided, single submitter. Criteria: GeneDx Variant Classification (06012015). Collection method: clinical testing. Allele origin: germline. Affected: yes.
Comment: This variant is considered likely benign or benign based on one or more of the following criteria: it is a conservative change, it occurs at a poorly conserved position in the protein, it is predicted to be benign by multiple in silico algorithms, and/or has population frequency not consistent with disease.

Breakthrough Genomics
Classification: Benign. Review status: criteria provided, single submitter. Criteria: ACMG Guidelines, 2015. Collection method: not provided. Allele origin: germline. Inheritance: Autosomal dominant inheritance. Affected: yes.

PreventionGenetics, part of Exact Sciences
Classification: Benign. Review status: criteria provided, single submitter. Criteria: ACMG Guidelines, 2015. Collection method: clinical testing. Allele origin: germline.

Clinical Genetics, Academic Medical Center
Classification: Benign. Review status: no assertion criteria provided. Collection method: clinical testing. Allele origin: germline. Affected: yes. Study: VKGL Data-share Consensus. Not counted in ClinVar's aggregate classification.

Genome Diagnostics Laboratory, University Medical Center Utrecht
Classification: Benign. Review status: no assertion criteria provided. Collection method: clinical testing. Allele origin: germline. Affected: yes. Study: VKGL Data-share Consensus. Not counted in ClinVar's aggregate classification.

Laboratory of Diagnostic Genome Analysis, Leiden University Medical Center (LUMC)
Classification: Likely benign. Review status: no assertion criteria provided. Collection method: clinical testing. Allele origin: germline. Affected: yes. Study: VKGL Data-share Consensus. Not counted in ClinVar's aggregate classification.

NM_001458.5(FLNC):c.6004+11G>A

Genes: FLNC (filamin C; plus strand), FLNC-AS1 (FLNC antisense RNA 1; minus strand). Cytogenetic location: 7q32.1.
Variant type: single nucleotide variant.
Coding change: c.6004+11G>A on transcript NM_001458.5 (MANE Select); 11 bases into the intron after coding-DNA position 6004, G replaced by A.
Molecular consequence: intron variant.
Genome position (GRCh38, 1-based): chr7:128,852,763, G>A. VCF-style: chr7-128852763-G-A. GRCh37 (hg19) VCF-style: chr7-128492817-G-A.
Other names: c.5905+11G>A (NM_001127487.2).
Identifiers: ClinVar variation 258151 (VCV000258151.45), dbSNP rs117653869, ClinGen allele CA4475853.
Genomic context (GRCh38, chr7:128,852,763, plus strand): 5'-GGGCAACGAGGAGCCCTGCCTGCTGAAGCGCCTGCCCAACCGGCACATTGGTGAGCGTGG[G>A]GCCTCACGGGGACCTCAGGGGTGGGGGCCCACAGGATGCTCTGCCTAACACCCACTTTCC-3'